The following is an entry in ClinVar:

NM_206933.4(USH2A):c.302dup (p.Ser102fs)

Gene: USH2A (usherin; minus strand). Cytogenetic location: 1q41.
Variant type: Duplication.
Coding change: c.302dup on transcript NM_206933.4 (MANE Select); coding-DNA position 302, one base duplicated (T; older notation c.302dupT).
Protein change: p.Ser102fs; shifts the reading frame from serine 102.
Molecular consequence: frameshift variant.
Genome position (GRCh38, 1-based): chr1:216,422,035, A duplicated on the plus strand (T on the coding strand, the reverse complement: USH2A is on the minus strand); the first of 4 consecutive A bases (chr1:216,422,035-216,422,038); duplicating any one gives the same sequence. VCF-style (leftmost placement, unchanged base first): chr1-216422034-G-GA. GRCh37 (hg19) VCF-style: chr1-216595376-G-GA.
Other names: c.302dup, p.Ser102fs (NM_007123.6); short protein forms S102fs.
Identifiers: ClinVar variation 3631716 (VCV003631716.2).

ClinVar aggregate classification (germline): Pathogenic (1 of 4 stars; one submission).

Submission:

Labcorp Genetics (formerly Invitae), Labcorp
Classification: Pathogenic. Last evaluated: 2024-02-09. Review status: criteria provided, single submitter. Criteria: Invitae Variant Classification Sherloc (09022015). Collection method: clinical testing. Allele origin: germline.
Comment: This sequence change creates a premature translational stop signal (p.Ser102Leufs*6) in the USH2A gene. It is expected to result in an absent or disrupted protein product. Loss-of-function variants in USH2A are known to be pathogenic (PMID: 10729113, 10909849, 20507924, 25649381). This variant is not present in population databases (gnomAD no frequency). This variant has not been reported in the literature in individuals affected with USH2A-related conditions. For these reasons, this variant has been classified as Pathogenic.

Literature cited by the submitters: PubMed 10729113; PubMed 10909849; PubMed 20507924; PubMed 25649381.